The following is an entry in ClinVar:

ClinVar aggregate classification (germline): Conflicting classifications of pathogenicity. Review status: criteria provided, conflicting classifications (1 of 4 stars). 6 submissions from 6 submitters: Uncertain significance (5); Likely benign (1). Last evaluated 2025-09-22.

Conditions:
Cardiovascular phenotype. Identifiers: MedGen CN230736.
Catecholaminergic polymorphic ventricular tachycardia (CVPT). Also called: Catecholamine-induced polymorphic ventricular tachycardia. Identifiers: Orphanet 3286, MedGen C5574922, MONDO:0017990.
Cardiomyopathy (CMYO). Also called: Cardiomyopathies. Identifiers: Orphanet 167848, MedGen C0878544, MONDO:0004994, HP:0001638. Inheritance: Various modes of inheritance.
Catecholaminergic polymorphic ventricular tachycardia 1. Also called: VENTRICULAR TACHYCARDIA, CATECHOLAMINERGIC POLYMORPHIC, 1, WITH OR WITHOUT ATRIAL DYSFUNCTION AND/OR DILATED CARDIOMYOPATHY; RYR2-Related Catecholaminergic Polymorphic Ventricular Tachycardia; VENTRICULAR TACHYCARDIA, STRESS-INDUCED POLYMORPHIC 1. Identifiers: Orphanet 3286, MedGen C1631597, MONDO:0011484, OMIM 604772.

Allele frequency attached by ClinVar (database versions not stated): gnomAD exomes below 0.00001 and 0.00001; TOPMed below 0.00001; gnomAD 0.00001.
gnomAD v4.1: 6 of 1,613,758 alleles (0.00037%); highest among the groups gnomAD compares: African/African-American, 0.0013%; no homozygotes.

Submissions (6):

Color Diagnostics, LLC DBA Color Health
Classification: Uncertain significance for Cardiomyopathy. Last evaluated: 2025-09-22. Review status: criteria provided, single submitter. Criteria: ACMG Guidelines, 2015. Collection method: clinical testing. Allele origin: germline.
Comment: This missense variant replaces valine with isoleucine at codon 4098 of the RYR2 protein. Computational prediction suggests that this variant may not impact protein structure and function. To our knowledge, functional studies have not been reported for this variant. This variant has not been reported in individuals affected with RYR2-related disorders in the literature. This variant has been identified in 2/279364 chromosomes in the general population by the Genome Aggregation Database (gnomAD). The available evidence is insufficient to determine the role of this variant in disease conclusively. Therefore, this variant is classified as a Variant of Uncertain Significance.

Labcorp Genetics (formerly Invitae), Labcorp
Classification: Uncertain significance for Catecholaminergic polymorphic ventricular tachycardia 1. Last evaluated: 2025-07-27. Review status: criteria provided, single submitter. Criteria: Invitae Variant Classification Sherloc (09022015). Collection method: clinical testing. Allele origin: germline.
Comment: This sequence change replaces valine, which is neutral and non-polar, with isoleucine, which is neutral and non-polar, at codon 4098 of the RYR2 protein (p.Val4098Ile). This variant is present in population databases (no rsID available, gnomAD 0.007%). This variant has not been reported in the literature in individuals affected with RYR2-related conditions. ClinVar contains an entry for this variant (Variation ID: 1171471). Invitae Evidence Modeling of protein sequence and biophysical properties (such as structural, functional, and spatial information, amino acid conservation, physicochemical variation, residue mobility, and thermodynamic stability) indicates that this missense variant is not expected to disrupt RYR2 protein function with a negative predictive value of 95%. In summary, the available evidence is currently insufficient to determine the role of this variant in disease. Therefore, it has been classified as a Variant of Uncertain Significance.

Ambry Genetics
Classification: Uncertain significance for Cardiovascular phenotype. Last evaluated: 2024-11-26. Review status: criteria provided, single submitter. Criteria: Ambry Variant Classification Scheme 2023. Collection method: clinical testing. Allele origin: germline.
Comment: The p.V4098I variant (also known as c.12292G>A), located in coding exon 90 of the RYR2 gene, results from a G to A substitution at nucleotide position 12292. The valine at codon 4098 is replaced by isoleucine, an amino acid with highly similar properties. This amino acid position is well conserved in available vertebrate species. In addition, the in silico prediction for this alteration is inconclusive. Based on the available evidence, the clinical significance of this variant remains unclear.

GeneDx
Classification: Uncertain significance. Last evaluated: 2024-11-19. Review status: criteria provided, single submitter. Criteria: GeneDx Variant Classification Process June 2021. Collection method: clinical testing. Allele origin: germline. Affected: yes.
Comment: Not observed at significant frequency in large population cohorts (gnomAD); In silico analysis indicates that this missense variant does not alter protein structure/function; Has not been previously published as pathogenic or benign to our knowledge; Located in one of the three hot-spot regions of the RYR2 gene, where the majority of pathogenic missense variants occur (PMID: 19926015); This variant is associated with the following publications: (PMID: 19926015)

All of Us Research Program, National Institutes of Health
Classification: Uncertain significance for Catecholaminergic polymorphic ventricular tachycardia. Last evaluated: 2024-08-06. Review status: criteria provided, single submitter. Criteria: ACMG Guidelines, 2015. Collection method: clinical testing. Allele origin: germline. Inheritance: Autosomal dominant inheritance. Observed: 1 variant allele, 1 heterozygote.
Comment: This missense variant replaces valine with isoleucine at codon 4098 of the RYR2 protein. Computational prediction suggests that this variant may not impact protein structure and function (internally defined REVEL score threshold <= 0.5, PMID: 27666373). To our knowledge, functional studies have not been reported for this variant. This variant has not been reported in individuals affected with cardiovascular disorders in the literature. This variant has been identified in 2/279364 chromosomes in the general population by the Genome Aggregation Database (gnomAD). The available evidence is insufficient to determine the role of this variant in disease conclusively. Therefore, this variant is classified as a Variant of Uncertain Significance.

This study involves interpretation of variants in research participants for the purpose of population health screening. Participant phenotype was not available at the time of variant classification. Additional details can be found in publication PMID: 35346344, PMCID: PMC8962531

Blueprint Genetics
Classification: Likely benign. Last evaluated: 2022-02-15. Review status: criteria provided, single submitter. Criteria: ACMG Guidelines, 2015. Collection method: clinical testing. Allele origin: germline.

NM_001035.3(RYR2):c.12292G>A (p.Val4098Ile)

Gene: RYR2 (ryanodine receptor 2; plus strand). Cytogenetic location: 1q43.
Variant type: single nucleotide variant.
Coding change: c.12292G>A on transcript NM_001035.3 (MANE Select); coding-DNA position 12292, G replaced by A.
Protein change: p.Val4098Ile; replaces valine 4098 with isoleucine.
Molecular consequence: missense variant.
Genome position (GRCh38, 1-based): chr1:237,784,004, G>A. VCF-style: chr1-237784004-G-A. GRCh37 (hg19) VCF-style: chr1-237947304-G-A.
Other names: c.12292G>A (NM_001035.2); short protein forms V4098I.
Identifiers: ClinVar variation 1171471 (VCV001171471.16), dbSNP rs1047248475, ClinGen allele CA39827403.
Genomic context (GRCh38, chr1:237,784,004, plus strand): 5'-CTCGACTACGAAGAGTTCGTCAAACGCTTCCACGAACCTGCGAAGGACATCGGCTTCAAC[G>A]TCGCCGTCCTTCTGACAAACCTCTCTGAGCACATGCCCAACGATACCCGACTTCAGACTT-3'
Protein context (NP_001026.2, residues 4088-4108): HEPAKDIGFN[Val4098Ile]AVLLTNLSEH